The following is an entry in ClinVar:

ClinVar aggregate classification (germline): Likely benign. Review status: criteria provided, multiple submitters, no conflicts (2 of 4 stars). 4 submissions from 4 submitters: Likely benign (3). 1 of the submissions does not count toward it. Last evaluated 2025-04-27.

Conditions:
Inborn genetic diseases. Identifiers: MedGen C0950123, MeSH D030342.
Cowden syndrome (CS). Also called: Cowden's disease; Cowden's syndrome; Cowden disease. Identifiers: Orphanet 201, MedGen C0018553, MONDO:0016063. Disease mechanism: gain of function.
PIK3CA-related disorder. Also called: PIK3CA- related disease; PIK3CA-related condition; PIK3CA-related disorders.

Allele frequency attached by ClinVar (database versions not stated): gnomAD 0.00001; gnomAD exomes 0.00002 and 0.00007; ExAC 0.00003; TOPMed 0.00003; ESP Exome Variant Server 0.00008.
gnomAD v4.1: 101 of 1,609,724 alleles (0.0063%); highest among the groups gnomAD compares: Non-Finnish European, 0.0079%; no homozygotes.

Submissions (4):

Labcorp Genetics (formerly Invitae), Labcorp
Classification: Likely benign for Cowden syndrome. Last evaluated: 2025-04-27. Review status: criteria provided, single submitter. Criteria: Invitae Variant Classification Sherloc (09022015). Collection method: clinical testing. Allele origin: germline.

CeGaT Center for Human Genetics Tuebingen
Classification: Likely benign. Last evaluated: 2022-07-01. Review status: criteria provided, single submitter. Criteria: CeGaT Center For Human Genetics Tuebingen Variant Classification Criteria Version 2. Collection method: clinical testing. Allele origin: germline. Affected: yes. Observed: 1 variant allele.
Comment: PIK3CA: BP4, BP7

Ambry Genetics
Classification: Likely benign for Inborn genetic diseases. Last evaluated: 2022-04-10. Review status: criteria provided, single submitter. Criteria: Ambry Variant Classification Scheme 2023. Collection method: clinical testing. Allele origin: germline.

PreventionGenetics, part of Exact Sciences
Classification: Likely benign for PIK3CA-related condition. Last evaluated: 2023-12-15. Review status: no assertion criteria provided. Collection method: clinical testing. Allele origin: germline. Not counted in ClinVar's aggregate classification.
Comment: This variant is classified as likely benign based on ACMG/AMP sequence variant interpretation guidelines (Richards et al. 2015 PMID: 25741868, with internal and published modifications).

NM_006218.4(PIK3CA):c.1029C>T (p.Tyr343=)

Gene: PIK3CA (phosphatidylinositol-4,5-bisphosphate 3-kinase catalytic subunit alpha; plus strand). Cytogenetic location: 3q26.32.
Variant type: single nucleotide variant.
Coding change: c.1029C>T on transcript NM_006218.4 (MANE Select); coding-DNA position 1029, C replaced by T.
Protein change: p.Tyr343=; no amino-acid change (tyrosine 343 retained).
Molecular consequence: synonymous variant.
Genome position (GRCh38, 1-based): chr3:179,203,759, C>T. VCF-style: chr3-179203759-C-T. GRCh37 (hg19) VCF-style: chr3-178921547-C-T.
Other names: c.1029C>T (NM_006218.3, LRG_310t1).
Identifiers: ClinVar variation 456527 (VCV000456527.42), dbSNP rs375577477, ClinGen allele CA2710618.